The following is an entry in ClinVar:

ClinVar aggregate classification (germline): Uncertain significance (1 of 4 stars; one submission).

Submission:

Ambry Genetics
Classification: Uncertain significance. Last evaluated: 2025-04-05. Review status: criteria provided, single submitter. Criteria: Ambry Variant Classification Scheme 2023. Collection method: clinical testing. Allele origin: germline.
Comment: The p.A361V variant (also known as c.1082C>T), located in coding exon 2 of the CDK12 gene, results from a C to T substitution at nucleotide position 1082. The alanine at codon 361 is replaced by valine, an amino acid with similar properties. This amino acid position is conserved. In addition, this alteration is predicted to be tolerated by in silico analysis. Based on the available evidence, the clinical significance of this variant remains unclear.

NM_016507.4(CDK12):c.1082C>T (p.Ala361Val)

Gene: CDK12 (cyclin dependent kinase 12; plus strand). Cytogenetic location: 17q12.
Variant type: single nucleotide variant.
Coding change: c.1082C>T on transcript NM_016507.4 (MANE Select); coding-DNA position 1082, C replaced by T.
Protein change: p.Ala361Val; replaces alanine 361 with valine.
Molecular consequence: missense variant.
Genome position (GRCh38, 1-based): chr17:39,470,914, C>T. VCF-style: chr17-39470914-C-T. GRCh37 (hg19) VCF-style: chr17-37627167-C-T.
Other names: c.1082C>T, p.Ala361Val (NM_015083.4); short protein forms A361V.
Identifiers: ClinVar variation 3999323 (VCV003999323.1).